The following is an entry in ClinVar:

ClinVar aggregate classification (germline): Uncertain significance (1 of 4 stars; one submission).

Conditions:
Cardiovascular phenotype. Identifiers: MedGen CN230736.

gnomAD v4.1: 2 of 1,612,832 alleles (0.00012%); highest among the groups gnomAD compares: Non-Finnish European, 0.00017%; no homozygotes.

Submission:

Ambry Genetics
Classification: Uncertain significance for Cardiovascular phenotype. Last evaluated: 2026-04-13. Review status: criteria provided, single submitter. Criteria: Ambry Variant Classification Scheme 2023. Collection method: clinical testing. Allele origin: germline.
Comment: The p.A265V variant (also known as c.794C>T), located in coding exon 6 of the ENG gene, results from a C to T substitution at nucleotide position 794. The alanine at codon 265 is replaced by valine, an amino acid with similar properties. This amino acid position is conserved. In addition, this alteration is predicted to be tolerated by in silico analysis. Based on the available evidence, the clinical significance of this variant remains unclear.

NM_001114753.3(ENG):c.794C>T (p.Ala265Val)

Gene: ENG (endoglin; minus strand). Cytogenetic location: 9q34.11.
Variant type: single nucleotide variant.
Coding change: c.794C>T on transcript NM_001114753.3 (MANE Select); coding-DNA position 794, C replaced by T.
Protein change: p.Ala265Val; replaces alanine 265 with valine.
Molecular consequence: missense variant.
Genome position (GRCh38, 1-based): chr9:127,825,253, G>A on the plus strand (C>T on the coding strand, the complement: ENG is on the minus strand). VCF-style: chr9-127825253-G-A. GRCh37 (hg19) VCF-style: chr9-130587532-G-A.
Other names: c.794C>T, p.Ala265Val (NM_000118.4, NM_001406715.1); c.248C>T, p.Ala83Val (NM_001278138.2); short protein forms A265V, A83V.
Identifiers: ClinVar variation 4870417 (VCV004870417.1).